The following is an entry in ClinVar:

ClinVar aggregate classification (germline): Uncertain significance. Review status: criteria provided, multiple submitters, no conflicts (2 of 4 stars). 2 submissions from 2 submitters: Uncertain significance (2). Last evaluated 2025-07-04.

Conditions:
Developmental and epileptic encephalopathy, 32 (DEE32). Also called: Epileptic encephalopathy, early infantile, 32. Identifiers: Orphanet 442835, MedGen C4225350, MONDO:0014607, OMIM 616366.

Submissions (2):

Laboratorio de Genetica e Diagnostico Molecular, Hospital Israelita Albert Einstein
Classification: Uncertain significance for Developmental and epileptic encephalopathy, 32. Last evaluated: 2025-07-04. Review status: criteria provided, single submitter. Criteria: ACMG Guidelines, 2015. Collection method: clinical testing. Allele origin: germline. Affected: yes.
Comment: ACMG classification criteria: PM2 supporting, PP2 supporting

Dasa
Classification: Uncertain significance. Last evaluated: 2025-05-26. Review status: criteria provided, single submitter. Criteria: DASA Assertion Criteria. Collection method: clinical testing. Allele origin: germline.
Comment: NM_004974.4(KCNA2):c.1391G>A (p.Gly464Asp) is a missense variant that results in the substitution of glycine with aspartic acid. This variant is absent from population databases. The currently available literature and clinical evidence are not sufficient to establish a definitive association between this variant and the reported condition. Therefore, this variant is classified as a variant of uncertain significance.

NM_004974.4(KCNA2):c.1391G>A (p.Gly464Asp)

Gene: KCNA2 (potassium voltage-gated channel subfamily A member 2; minus strand). Cytogenetic location: 1p13.3.
Variant type: single nucleotide variant.
Coding change: c.1391G>A on transcript NM_004974.4 (MANE Select); coding-DNA position 1391, G replaced by A.
Protein change: p.Gly464Asp; replaces glycine 464 with aspartic acid.
Molecular consequence: missense variant. On other transcripts: intron variant (1).
Genome position (GRCh38, 1-based): chr1:110,603,392, C>T on the plus strand (G>A on the coding strand, the complement: KCNA2 is on the minus strand). VCF-style: chr1-110603392-C-T. GRCh37 (hg19) VCF-style: chr1-111146014-C-T.
Other names: c.894+497G>A (NM_001204269.2); short protein forms G464D.
Identifiers: ClinVar variation 4846827 (VCV004846827.3).
Genomic context (GRCh38, chr1:110,603,392, plus strand): 5'-AAGGTACAGTTGGCTGTTTTCAAGTTTTCCTCTCTAAAGTCCTCATTACTGTTATTTACA[C>T]CCTCCTGGATCTCCATGTAATCAGACTTACTAATGGTAGAGGCACTTCTACTTTTCTTTA-3'
Protein context (NP_004965.1, residues 454-474): SKSDYMEIQE[Gly464Asp]VNNSNEDFRE